The following is an entry in ClinVar:

NM_001378964.1(CDON):c.2075G>T (p.Gly692Val)

Gene: CDON (cell adhesion associated, oncogene regulated; minus strand). Cytogenetic location: 11q24.2.
Variant type: single nucleotide variant.
Coding change: c.2075G>T on transcript NM_001378964.1 (MANE Select); coding-DNA position 2075, G replaced by T.
Protein change: p.Gly692Val; replaces glycine 692 with valine.
Molecular consequence: missense variant.
Genome position (GRCh38, 1-based): chr11:126,001,802, C>A on the plus strand (G>T on the coding strand, the complement: CDON is on the minus strand). VCF-style: chr11-126001802-C-A. GRCh37 (hg19) VCF-style: chr11-125871697-C-A.
Other names: c.2075G>T, p.Gly692Val (NM_001243597.3, NM_016952.6); short protein forms G692V.
Identifiers: ClinVar variation 2499967 (VCV002499967.1), dbSNP rs777784202, ClinGen allele CA383207215.
Genomic context (GRCh38, chr11:126,001,802, plus strand): 5'-GTAAGTACCACTCCAAAATTGTTGTTTGCAGCCTCTGAAACAACGGGATACTTAGGGATG[C>A]CCACGGGTGGAGAGGATGCCTGGGTGTTTTTTGATGACGCTGTTTTTTCTAGAAAGGTAA-3'
Protein context (NP_001365893.1, residues 682-702): KNTQASSPPV[Gly692Val]IPKYPVVSEA

ClinVar aggregate classification (germline): Uncertain significance (1 of 4 stars; one submission).

Submission:

GeneDx
Classification: Uncertain significance. Last evaluated: 2022-10-19. Review status: criteria provided, single submitter. Criteria: GeneDx Variant Classification Process June 2021. Collection method: clinical testing. Allele origin: germline. Affected: yes.
Comment: Not observed at significant frequency in large population cohorts (gnomAD); In silico analysis supports that this missense variant has a deleterious effect on protein structure/function; Has not been previously published as pathogenic or benign to our knowledge